The following is an entry in ClinVar:

ClinVar aggregate classification (germline): Uncertain significance. Review status: criteria provided, multiple submitters, no conflicts (2 of 4 stars). 4 submissions from 4 submitters: Uncertain significance (4). Last evaluated 2026-08-05.

Conditions:
Ehlers-Danlos syndrome (EDS). Identifiers: Orphanet 98249, MedGen C0013720, MONDO:0020066.
Cardiovascular phenotype. Identifiers: MedGen CN230736.
Vesicoureteral reflux 8 (VUR8). Identifiers: Orphanet 289365, MedGen C4014831, MONDO:0014422, OMIM 615963.

Allele frequency attached by ClinVar (database versions not stated): TOPMed below 0.00001; ExAC 0.00002; gnomAD exomes 0.00001.
gnomAD v4.1: 4 of 1,613,388 alleles (0.00025%); highest among the groups gnomAD compares: South Asian, 0.0022%; no homozygotes.

Submissions (4):

GeneDx
Classification: Uncertain significance. Last evaluated: 2026-08-05. Review status: criteria provided, single submitter. Criteria: GeneDx Variant Classification Process June 2021. Collection method: clinical testing. Allele origin: germline.
Comment: Has not been previously published as pathogenic or benign to our knowledge; Not observed at significant frequency in large population cohorts (gnomAD); In silico analysis suggests that this missense variant does not alter protein structure/function

Ambry Genetics
Classification: Uncertain significance for Cardiovascular phenotype. Last evaluated: 2023-12-10. Review status: criteria provided, single submitter. Criteria: Ambry Variant Classification Scheme 2023. Collection method: clinical testing. Allele origin: germline.
Comment: The p.V2349L variant (also known as c.7045G>T), located in coding exon 19 of the TNXB gene, results from a G to T substitution at nucleotide position 7045. The valine at codon 2349 is replaced by leucine, an amino acid with highly similar properties. This amino acid position is conserved. In addition, this alteration is predicted to be tolerated by in silico analysis. Since supporting evidence is limited at this time, the clinical significance of this alteration remains unclear.

Pittsburgh Clinical Genomics Laboratory, University of Pittsburgh Medical Center
Classification: Uncertain significance for Vesicoureteral reflux 8. Last evaluated: 2022-06-13. Review status: criteria provided, single submitter. Criteria: ACMG Guidelines, 2015. Collection method: clinical testing. Allele origin: germline. Inheritance: Autosomal dominant inheritance. Affected: yes.
Comment: This sequence variant is a single nucleotide substitution (G>T) at position 7045 of the coding sequence of the TNXB gene that results in a valine to leucine amino acid change at residue 2349 of the TNXB encoded protein, tescin-X. The Val2349 residue falls in the 14th (of 30) fibronectin type-III domain of tescin-X. This variant is not found in online datasets of clinically annotated variants (ClinVar) and has not been observed in individuals with Ehlers-Danlos syndrome in the published literature, to our knowledge. This variant is present in control population datasets (gnomAD database, 2 of 248,000 alleles, 0.0008%). Multiple bioinformatic tools predict that this valine to leucine amino acid change would be neutral, though the Val2349 residue is strongly conserved across the vertebrate species examined. Studies examining the functiol consequence of this variant have not been published. At this time, there is insufficient evidence to determine if this variant is pathogenic or benign. Therefore, we consider this a variant of uncertain significance. ACMG Criteria: BP4, PM2

Genome Diagnostics Laboratory, The Hospital for Sick Children
Classification: Uncertain significance for Ehlers-Danlos syndrome. Last evaluated: 2019-02-01. Review status: criteria provided, single submitter. Criteria: ACMG Guidelines, 2015. Collection method: clinical testing. Allele origin: germline.

NM_001365276.2(TNXB):c.7045G>T (p.Val2349Leu)

Gene: TNXB (tenascin XB; minus strand). Cytogenetic location: 6p21.33.
Variant type: single nucleotide variant.
Coding change: c.7045G>T on transcript NM_001365276.2 (MANE Select); coding-DNA position 7045, G replaced by T.
Protein change: p.Val2349Leu; replaces valine 2349 with leucine.
Molecular consequence: missense variant.
Genome position (GRCh38, 1-based): chr6:32,062,280, C>A on the plus strand (G>T on the coding strand, the complement: TNXB is on the minus strand). VCF-style: chr6-32062280-C-A. GRCh37 (hg19) VCF-style: chr6-32030057-C-A.
Other names: c.7045G>T, p.Val2349Leu (NM_019105.8); short protein forms V2349L.
Identifiers: ClinVar variation 1695518 (VCV001695518.8), dbSNP rs774516957, ClinGen allele CA3734269.